The following is an entry in ClinVar:

ClinVar aggregate classification (germline): Uncertain significance (1 of 4 stars; one submission).

Submission:

GeneDx
Classification: Uncertain significance. Last evaluated: 2025-08-12. Review status: criteria provided, single submitter. Criteria: GeneDx Variant Classification Process June 2021. Collection method: clinical testing. Allele origin: germline. Affected: yes.
Comment: Has not been previously published as pathogenic or benign to our knowledge; Not observed at significant frequency in large population cohorts (gnomAD); In silico analysis suggests that this missense variant does not alter protein structure/function

NM_001020658.2(PUM1):c.2671C>A (p.Gln891Lys)

Genes: PUM1 (pumilio RNA binding family member 1; minus strand), LOC126805680 (BRD4-independent group 4 enhancer GRCh37_chr1:31424624-31425823; plus strand). Cytogenetic location: 1p35.2.
Variant type: single nucleotide variant.
Coding change: c.2671C>A on transcript NM_001020658.2 (MANE Select); coding-DNA position 2671, C replaced by A.
Protein change: p.Gln891Lys; replaces glutamine 891 with lysine.
Molecular consequence: missense variant.
Genome position (GRCh38, 1-based): chr1:30,952,284, G>T on the plus strand (C>A on the coding strand, the complement: PUM1 is on the minus strand). VCF-style: chr1-30952284-G-T. GRCh37 (hg19) VCF-style: chr1-31425131-G-T.
Other names: c.2671C>A, p.Gln891Lys (NM_014676.3); short protein forms Q891K.
Identifiers: ClinVar variation 4795691 (VCV004795691.1).